The following is an entry in ClinVar:

NM_004329.3(BMPR1A):c.734A>G (p.Tyr245Cys)

Gene: BMPR1A (bone morphogenetic protein receptor type 1A; plus strand). Cytogenetic location: 10q23.2.
Variant type: single nucleotide variant.
Coding change: c.734A>G on transcript NM_004329.3 (MANE Select); coding-DNA position 734, A replaced by G.
Protein change: p.Tyr245Cys; replaces tyrosine 245 with cysteine.
Molecular consequence: missense variant.
Genome position (GRCh38, 1-based): chr10:86,917,192, A>G. VCF-style: chr10-86917192-A-G. GRCh37 (hg19) VCF-style: chr10-88676949-A-G.
Other names: c.734A>G, p.Tyr245Cys (NM_001406582.1, NM_001406572.1, NM_001406573.1 and 19 more transcripts); c.728A>G, p.Tyr243Cys (NM_001406583.1); c.650A>G, p.Tyr217Cys (NM_001406584.1, NM_001406585.1, NM_001406586.1 and 2 more transcripts); c.392A>G, p.Tyr131Cys (NM_001406589.1); c.809A>G, p.Tyr270Cys (NM_001406559.1); c.782A>G, p.Tyr261Cys (NM_001406560.1); short protein forms Y243C, Y270C, Y217C, Y245C, Y131C, Y261C.
Identifiers: ClinVar variation 1758439 (VCV001758439.7), dbSNP rs1589290688, ClinGen allele CA377457366.
Genomic context (GRCh38, chr10:86,917,192, plus strand): 5'-AGGTTCAGCGAACTATTGCCAAACAGATTCAGATGGTCCGGCAAGTTGGTAAAGGCCGAT[A>G]TGGAGAAGTATGGATGGGCAAATGGCGTGGCGAAAAAGTGGCGGTGAAAGTATTCTTTAC-3'
Protein context (NP_004320.2, residues 235-255): QMVRQVGKGR[Tyr245Cys]GEVWMGKWRG

ClinVar aggregate classification (germline): Uncertain significance. Review status: criteria provided, multiple submitters, no conflicts (2 of 4 stars). 3 submissions from 3 submitters: Uncertain significance (3). Last evaluated 2026-07-16.

Conditions:
Juvenile polyposis syndrome (JPS). Identifiers: Orphanet 2929, MedGen C0345893, MONDO:0017380, OMIM 174900.
Hereditary cancer-predisposing syndrome. Also called: Hereditary Cancer Syndrome; Hereditary neoplastic syndrome; Neoplastic Syndromes, Hereditary; Tumor predisposition. Identifiers: Orphanet 140162, MedGen C0027672, MeSH D009386, MONDO:0015356.

Allele frequency attached by ClinVar (database versions not stated): gnomAD exomes below 0.00001.
gnomAD v4.1: 2 of 1,614,112 alleles (0.00012%); highest among the groups gnomAD compares: Non-Finnish European, 0.00017%; no homozygotes.

Submissions (3):

Ambry Genetics
Classification: Uncertain significance for Hereditary cancer-predisposing syndrome. Last evaluated: 2026-07-16. Review status: criteria provided, single submitter. Criteria: Ambry Variant Classification Scheme 2023. Collection method: clinical testing. Allele origin: germline.
Comment: The p.Y245C variant (also known as c.734A>G), located in coding exon 7 of the BMPR1A gene, results from an A to G substitution at nucleotide position 734. The tyrosine at codon 245 is replaced by cysteine, an amino acid with highly dissimilar properties. This amino acid position is conserved. In addition, this alteration is predicted to be deleterious by in silico analysis. Based on the available evidence, the clinical significance of this variant remains unclear.

GeneDx
Classification: Uncertain significance. Last evaluated: 2024-02-02. Review status: criteria provided, single submitter. Criteria: GeneDx Variant Classification Process June 2021. Collection method: clinical testing. Allele origin: germline. Affected: yes.
Comment: Not observed at significant frequency in large population cohorts (gnomAD); In silico analysis supports that this missense variant has a deleterious effect on protein structure/function; Has not been previously published as pathogenic or benign to our knowledge; This variant is associated with the following publications: (PMID: 15235019)

Labcorp Genetics (formerly Invitae), Labcorp
Classification: Uncertain significance for Juvenile polyposis syndrome. Last evaluated: 2022-11-19. Review status: criteria provided, single submitter. Criteria: Invitae Variant Classification Sherloc (09022015). Collection method: clinical testing. Allele origin: germline.
Comment: In summary, the available evidence is currently insufficient to determine the role of this variant in disease. Therefore, it has been classified as a Variant of Uncertain Significance. Algorithms developed to predict the effect of missense changes on protein structure and function (SIFT, PolyPhen-2, Align-GVGD) all suggest that this variant is likely to be disruptive. This variant has not been reported in the literature in individuals affected with BMPR1A-related conditions. This variant is not present in population databases (gnomAD no frequency). This sequence change replaces tyrosine, which is neutral and polar, with cysteine, which is neutral and slightly polar, at codon 245 of the BMPR1A protein (p.Tyr245Cys).